The following is an entry in ClinVar:

ClinVar aggregate classification (germline): Pathogenic. Review status: criteria provided, multiple submitters, no conflicts (2 of 4 stars). 4 submissions from 4 submitters: Pathogenic (3). 1 of the submissions does not count toward it. Last evaluated 2026-08-17.

Conditions:
STRC-related disorder. Also called: STRC-related condition.
Autosomal recessive nonsyndromic hearing loss 16. Also called: DEAFNESS, AUTOSOMAL RECESSIVE 16; DFNB16 Nonsyndromic Hearing Loss and Deafness. Identifiers: Orphanet 90636, MedGen C1863561, MONDO:0011364, OMIM 603720.

Submissions (4):

PreventionGenetics, part of Exact Sciences
Classification: Pathogenic for STRC-related condition. Last evaluated: 2026-08-17. Review status: criteria provided, single submitter. Criteria: ACMG Guidelines, 2015. Collection method: clinical testing. Allele origin: germline.
Comment: The STRC c.2171_2174delTTTG variant is predicted to result in a frameshift and premature protein termination (p.Val724Glyfs*6). This variant has been reported with a second STRC variant in several individuals with autosomal recessive deafness (Verpy et al. 2001. PubMed ID: 11687802; Marková et al. 2018. PubMed ID: 29425068; Supp. Table 1, Safka Brozkova et al. 2020. PubMed ID: 32860223). This variant is reported in 0.014% of alleles in individuals of European (Finnish) descent in gnomAD. This variant is interpreted as pathogenic.

The Shared Resource Centre "Genome", Research Centre for Medical Genetics
Classification: Pathogenic for Autosomal recessive nonsyndromic hearing loss 16. Last evaluated: 2022-11-10. Review status: criteria provided, single submitter. Criteria: ACMG Guidelines, 2015. Collection method: clinical testing. Allele origin: germline. Affected: yes. Observed: 4 variant alleles.

Clinical Genetics Laboratory, Skane University Hospital Lund
Classification: Pathogenic. Last evaluated: 2022-06-29. Review status: criteria provided, single submitter. Criteria: ACMG Guidelines, 2015. Collection method: clinical testing. Allele origin: germline. Affected: yes.

OMIM
Classification: Pathogenic for DEAFNESS, AUTOSOMAL RECESSIVE 16. Last evaluated: 2001-11-01. Review status: no assertion criteria provided. Collection method: literature only. Allele origin: germline. Not counted in ClinVar's aggregate classification.

Literature cited by the submitters: PubMed 11687802 (cited by OMIM).

NM_153700.2(STRC):c.2171_2174del (p.Val724fs)

Gene: STRC (stereocilin; minus strand). Cytogenetic location: 15q15.3.
Variant type: Deletion.
Coding change: c.2171_2174del on transcript NM_153700.2 (MANE Select); coding-DNA positions 2171 to 2174, 4 bases deleted (TTTG; older notation c.2171_2174delTTTG).
Protein change: p.Val724fs; shifts the reading frame from valine 724.
Molecular consequence: frameshift variant.
Genome position (GRCh38, 1-based): chr15:43,614,436-43,614,439, CAAA deleted on the plus strand (TTTG on the coding strand, the reverse complement: STRC is on the minus strand); deleting any 4 consecutive bases within chr15:43,614,436-43,614,441 gives the same sequence; the c. name uses the placement nearest the transcript's 3' end. VCF-style (leftmost placement, unchanged base first): chr15-43614435-CCAAA-C. GRCh37 (hg19) VCF-style: chr15-43906633-CCAAA-C.
Other names: c.2171_2174delTTTG (NM_153700.2); short protein forms V724fs.
Identifiers: ClinVar variation 4344 (VCV000004344.5), dbSNP rs786200883, ClinGen allele CA253126.